The following is an entry in ClinVar:

NM_002471.4(MYH6):c.5645G>A (p.Arg1882His)

Gene: MYH6 (myosin heavy chain 6; minus strand). Cytogenetic location: 14q11.2.
Variant type: single nucleotide variant.
Coding change: c.5645G>A on transcript NM_002471.4 (MANE Select); coding-DNA position 5645, G replaced by A.
Protein change: p.Arg1882His; replaces arginine 1882 with histidine.
Molecular consequence: missense variant.
Genome position (GRCh38, 1-based): chr14:23,383,241, C>T on the plus strand (G>A on the coding strand, the complement: MYH6 is on the minus strand). VCF-style: chr14-23383241-C-T. GRCh37 (hg19) VCF-style: chr14-23852450-C-T.
Other names: short protein forms R1882H.
Identifiers: ClinVar variation 978747 (VCV000978747.13), dbSNP rs199755234, ClinGen allele CA7114328.

ClinVar aggregate classification (germline): Conflicting classifications of pathogenicity. Review status: criteria provided, conflicting classifications (1 of 4 stars). 5 submissions from 5 submitters: Uncertain significance (4); Likely benign (1). Last evaluated 2025-11-06.

Conditions:
Hypertrophic cardiomyopathy 14. Identifiers: MedGen C2750467, MONDO:0013197, OMIM 613251.
Cardiovascular phenotype. Identifiers: MedGen CN230736.
Hypertrophic cardiomyopathy. Also called: HYPERTROPHIC MYOCARDIOPATHY. Identifiers: Orphanet 217569, MedGen C0007194, MeSH D002312, MONDO:0005045, HP:0001639.

Allele frequency attached by ClinVar (database versions not stated): gnomAD 0.00001; TOPMed 0.00002; 1000 Genomes Project 30x 0.00031; 1000 Genomes Project 0.00040.
gnomAD v4.1: 67 of 1,551,692 alleles (0.0043%); highest among the groups gnomAD compares: South Asian, 0.033%; no homozygotes.

Submissions (5):

Labcorp Genetics (formerly Invitae), Labcorp
Classification: Uncertain significance for Hypertrophic cardiomyopathy 14. Last evaluated: 2025-11-06. Review status: criteria provided, single submitter. Criteria: Invitae Variant Classification Sherloc (09022015). Collection method: clinical testing. Allele origin: germline.
Comment: This sequence change replaces arginine, which is basic and polar, with histidine, which is basic and polar, at codon 1882 of the MYH6 protein (p.Arg1882His). This variant is present in population databases (rs199755234, gnomAD 0.05%), and has an allele count higher than expected for a pathogenic variant. This variant has not been reported in the literature in individuals affected with MYH6-related conditions. ClinVar contains an entry for this variant (Variation ID: 978747). Invitae Evidence Modeling of protein sequence and biophysical properties (such as structural, functional, and spatial information, amino acid conservation, physicochemical variation, residue mobility, and thermodynamic stability) indicates that this missense variant is not expected to disrupt MYH6 protein function with a negative predictive value of 80%. In summary, the available evidence is currently insufficient to determine the role of this variant in disease. Therefore, it has been classified as a Variant of Uncertain Significance.

Ambry Genetics
Classification: Uncertain significance for Cardiovascular phenotype. Last evaluated: 2025-06-20. Review status: criteria provided, single submitter. Criteria: Ambry Variant Classification Scheme 2023. Collection method: clinical testing. Allele origin: germline.
Comment: The p.R1882H variant (also known as c.5645G>A), located in coding exon 35 of the MYH6 gene, results from a G to A substitution at nucleotide position 5645. The arginine at codon 1882 is replaced by histidine, an amino acid with highly similar properties. This amino acid position is conserved. In addition, the in silico prediction for this alteration is inconclusive. Since supporting evidence is limited at this time, the clinical significance of this alteration remains unclear.

Blueprint Genetics
Classification: Likely benign. Last evaluated: 2024-10-23. Review status: criteria provided, single submitter. Criteria: ACMG Guidelines, 2015. Collection method: clinical testing. Allele origin: germline.

GeneDx
Classification: Uncertain significance. Last evaluated: 2021-04-16. Review status: criteria provided, single submitter. Criteria: GeneDx Variant Classification Process June 2021. Collection method: clinical testing. Allele origin: germline. Affected: yes.
Comment: Has not been previously published as pathogenic or benign to our knowledge; In silico analysis supports that this missense variant has a deleterious effect on protein structure/function

Genetics and Genomics Program, Sidra Medicine
Classification: Uncertain significance for Hypertrophic cardiomyopathy. Review status: criteria provided, single submitter. Criteria: ACMG Guidelines, 2015. Collection method: research. Allele origin: unknown. Affected: yes. Observed: 1 variant allele.